The following is an entry in ClinVar:

NM_002471.4(MYH6):c.3758C>T (p.Thr1253Met)

Gene: MYH6 (myosin heavy chain 6; minus strand). Cytogenetic location: 14q11.2.
Variant type: single nucleotide variant.
Coding change: c.3758C>T on transcript NM_002471.4 (MANE Select); coding-DNA position 3758, C replaced by T.
Protein change: p.Thr1253Met; replaces threonine 1253 with methionine.
Molecular consequence: missense variant.
Genome position (GRCh38, 1-based): chr14:23,389,694, G>A on the plus strand (C>T on the coding strand, the complement: MYH6 is on the minus strand). VCF-style: chr14-23389694-G-A. GRCh37 (hg19) VCF-style: chr14-23858903-G-A.
Other names: short protein forms T1253M.
Identifiers: ClinVar variation 164229 (VCV000164229.13), dbSNP rs201051663, ClinGen allele CA176946.
Genomic context (GRCh38, chr14:23,389,694, plus strand): 5'-TTGAGGGAGCGTTGGGCCTCTTCTAGCTTCACGCGGTACTCATTGGCCTGGTCCTCCAGC[G>A]TCCGAGACACTTTCTCCAGGTTTGCCTTCAGGAAGCAAGACAGGAAGGGTGAGTGTGGGA-3'
Protein context (NP_002462.2, residues 1243-1263): AKANLEKVSR[Thr1253Met]LEDQANEYRV

ClinVar aggregate classification (germline): Conflicting classifications of pathogenicity. Review status: criteria provided, conflicting classifications (1 of 4 stars). 7 submissions from 7 submitters: Uncertain significance (5); Likely benign (1). 1 of the submissions does not count toward it. Last evaluated 2025-08-29.

Conditions:
Cardiovascular phenotype. Identifiers: MedGen CN230736.
Atrial septal defect 3 (ASD3). Identifiers: Orphanet 1478, MedGen C3279790, MONDO:0013567, OMIM 614089.
Dilated cardiomyopathy 1EE (CMD1EE). Identifiers: Orphanet 154, MedGen C2750466, MONDO:0013198, OMIM 613252.
Hypertrophic cardiomyopathy 1 (CMH1). Also called: Familial hypertrophic cardiomyopathy 1; MYH7-Related Familial Hypertrophic Cardiomyopathy. Identifiers: MedGen C3495498, MONDO:0008647, OMIM 192600.
Sick sinus syndrome 3, susceptibility to (SSS3). Identifiers: Orphanet 166282, MedGen C3279791, MONDO:0013568, OMIM 614090.
Hypertrophic cardiomyopathy 14. Identifiers: MedGen C2750467, MONDO:0013197, OMIM 613251.
MYH6-related disorder. Also called: MYH6-related condition; MYH6-Related Disorders.

Allele frequency attached by ClinVar (database versions not stated): gnomAD 0.00001; TOPMed 0.00001; gnomAD exomes 0.00003; ExAC 0.00005.

Submissions (7):

Labcorp Genetics (formerly Invitae), Labcorp
Classification: Uncertain significance for Hypertrophic cardiomyopathy 14. Last evaluated: 2025-08-29. Review status: criteria provided, single submitter. Criteria: Invitae Variant Classification Sherloc (09022015). Collection method: clinical testing. Allele origin: germline.
Comment: This sequence change replaces threonine, which is neutral and polar, with methionine, which is neutral and non-polar, at codon 1253 of the MYH6 protein (p.Thr1253Met). This variant is present in population databases (rs201051663, gnomAD 0.01%). This missense change has been observed in individual(s) with MYH6-related conditions (PMID: 26458567). ClinVar contains an entry for this variant (Variation ID: 164229). Invitae Evidence Modeling of protein sequence and biophysical properties (such as structural, functional, and spatial information, amino acid conservation, physicochemical variation, residue mobility, and thermodynamic stability) indicates that this missense variant is not expected to disrupt MYH6 protein function with a negative predictive value of 80%. In summary, the available evidence is currently insufficient to determine the role of this variant in disease. Therefore, it has been classified as a Variant of Uncertain Significance.

Ambry Genetics
Classification: Uncertain significance for Cardiovascular phenotype. Last evaluated: 2024-10-30. Review status: criteria provided, single submitter. Criteria: Ambry Variant Classification Scheme 2023. Collection method: clinical testing. Allele origin: germline.
Comment: The p.T1253M variant (also known as c.3758C>T), located in coding exon 25 of the MYH6 gene, results from a C to T substitution at nucleotide position 3758. The threonine at codon 1253 is replaced by methionine, an amino acid with similar properties. This amino acid position is well conserved in available vertebrate species. In addition, the in silico prediction for this alteration is inconclusive. Based on the available evidence, the clinical significance of this variant remains unclear.

Blueprint Genetics
Classification: Likely benign. Last evaluated: 2022-09-16. Review status: criteria provided, single submitter. Criteria: ACMG Guidelines, 2015. Collection method: clinical testing. Allele origin: germline.

Fulgent Genetics
Classification: Uncertain significance for Hypertrophic cardiomyopathy 1; Hypertrophic cardiomyopathy 14; Dilated cardiomyopathy 1EE; Atrial septal defect 3; Sick sinus syndrome 3, susceptibility to. Last evaluated: 2021-09-07. Review status: criteria provided, single submitter. Criteria: ACMG Guidelines, 2015. Collection method: clinical testing. Allele origin: unknown.

GeneDx
Classification: Uncertain significance. Last evaluated: 2017-02-02. Review status: criteria provided, single submitter. Criteria: GeneDx Variant Classification (06012015). Collection method: clinical testing. Allele origin: germline. Affected: yes.
Comment: The T1253M variant in the MYH6 gene has been reported previously in an individual with sporadic dilated cardiomyopathy (Zhao et al., 2015). The T1253M variant is not observed at a significant frequency in large population cohorts (Lek et al., 2016; 1000 Genomes Consortium et al., 2015; Exome Variant Server). The T1253M variant is a non-conservative amino acid substitution, which is likely to impact secondary protein structure as these residues differ in polarity, charge, size and/or other properties. This substitution occurs at a position that is conserved in mammals. In silico analysis predicts this variant is probably damaging to the protein structure/function. We interpret T1253M as a variant of uncertain significance.

Laboratory for Molecular Medicine, Mass General Brigham Personalized Medicine
Classification: Uncertain significance. Last evaluated: 2014-10-22. Review status: criteria provided, single submitter. Criteria: LMM Criteria. Collection method: clinical testing. Allele origin: germline. Observed: 1 variant allele.
Comment: Variant classified as Uncertain Significance - Favor Benign. The p.Thr1253Met va riant in MHY6 has not been previously reported in individuals with cardiomyopath y or in large population studies. Threonine (Thr) at position 1253 is not conser ved in mammals or in evolutionarily distant species and 2 mammals (macaque and m anatee) have a methionine (Met) at this position, suggesting that this change ma y be tolerated. Additional computational prediction tools suggest that the p.Thr 1253Met variant may impact the protein, though this information is not predictiv e enough to determine pathogenicity. In summary, while the clinical significance of the p.Thr1253Met variant is uncertain, the presence of the variant amino aci d in other mammals suggests that it is more likely to be benign.

PreventionGenetics, part of Exact Sciences
Classification: Uncertain significance for MYH6-related condition. Last evaluated: 2023-12-26. Review status: no assertion criteria provided. Collection method: clinical testing. Allele origin: germline. Not counted in ClinVar's aggregate classification.
Comment: The MYH6 c.3758C>T variant is predicted to result in the amino acid substitution p.Thr1253Met. This variant was reported in an individual with dilated cardiomyopathy (Zhao et al. 2015. PubMed ID: 26458567) and an individual with left ventricular noncompaction (Table S2, Mazzarotto et al. 2021. PubMed ID: 33500567). This variant is reported in 0.010% of alleles in individuals of East Asian descent in gnomAD and has been interpreted as uncertain in ClinVar. At this time, the clinical significance of this variant is uncertain due to the absence of conclusive functional and genetic evidence.

Literature cited by the submitters: PubMed 26458567 (cited by Labcorp Genetics (formerly Invitae), Labcorp and Ambry Genetics); PubMed 33500567 (cited by Ambry Genetics).